The following is an entry in ClinVar:

NM_001370259.2(MEN1):c.1413G>T (p.Trp471Cys)

Gene: MEN1 (menin 1; minus strand). Cytogenetic location: 11q13.1.
Variant type: single nucleotide variant.
Coding change: c.1413G>T on transcript NM_001370259.2 (MANE Select); coding-DNA position 1413, G replaced by T.
Protein change: p.Trp471Cys; replaces tryptophan 471 with cysteine.
Molecular consequence: missense variant.
Genome position (GRCh38, 1-based): chr11:64,804,754, C>A on the plus strand (G>T on the coding strand, the complement: MEN1 is on the minus strand). VCF-style: chr11-64804754-C-A. GRCh37 (hg19) VCF-style: chr11-64572226-C-A.
Other names: c.1428G>T, p.Trp476Cys (NM_000244.4, NM_130800.3, NM_130801.3 and 3 more transcripts); c.1539G>T, p.Trp513Cys (NM_001370251.2); c.1413G>T, p.Trp471Cys (NM_001370260.2, NM_001370261.2, NM_130799.3); c.1308G>T, p.Trp436Cys (NM_001370262.2, NM_001370263.2); short protein forms W436C, W471C, W476C, W513C.
Identifiers: ClinVar variation 1506883 (VCV001506883.8), dbSNP rs1941556077, ClinGen allele CA381179511.

ClinVar aggregate classification (germline): Uncertain significance (1 of 4 stars; one submission).

Conditions:
Multiple endocrine neoplasia, type 1 (MEN1). Also called: MEN I; WERMER SYNDROME; Endocrine adenomatosis multiple; MEN 1; MEA I. Identifiers: Orphanet 652, MedGen C0025267, MeSH D018761, MONDO:0007540, OMIM 131100.

Submission:

Labcorp Genetics (formerly Invitae), Labcorp
Classification: Uncertain significance for Multiple endocrine neoplasia, type 1. Last evaluated: 2021-04-23. Review status: criteria provided, single submitter. Criteria: Invitae Variant Classification Sherloc (09022015). Collection method: clinical testing. Allele origin: germline.
Comment: In summary, the available evidence is currently insufficient to determine the role of this variant in disease. Therefore, it has been classified as a Variant of Uncertain Significance. Advanced modeling of protein sequence and biophysical properties (such as structural, functional, and spatial information, amino acid conservation, physicochemical variation, residue mobility, and thermodynamic stability) performed at Invitae indicates that this missense variant is not expected to disrupt MEN1 protein function. This variant has been observed in individual(s) with clinical features of MEN1-related conditions (PMID:17555499). This variant is also known as c.1523G>T. This variant is not present in population databases (ExAC no frequency). This sequence change replaces tryptophan with cysteine at codon 471 of the MEN1 protein (p.Trp471Cys). The tryptophan residue is moderately conserved and there is a large physicochemical difference between tryptophan and cysteine.

Literature cited by the submitters: PubMed 17555499.